The following is an entry in ClinVar:

ClinVar aggregate classification (germline): Uncertain significance. Review status: criteria provided, multiple submitters, no conflicts (2 of 4 stars). 4 submissions from 4 submitters: Uncertain significance (4). Last evaluated 2025-07-21.

Conditions:
Hereditary cancer-predisposing syndrome. Also called: Tumor predisposition; Hereditary Cancer Syndrome; Hereditary neoplastic syndrome; Neoplastic Syndromes, Hereditary. Identifiers: Orphanet 140162, MedGen C0027672, MeSH D009386, MONDO:0015356.
Familial adenomatous polyposis 2. Also called: COLORECTAL ADENOMATOUS POLYPOSIS, AUTOSOMAL RECESSIVE; MUTYH Polyposis; MUTYH-associated polyposis; MUTYH-related attenuated familial adenomatous polyposis; Adenomas, multiple colorectal; ADENOMAS, MULTIPLE COLORECTAL, AUTOSOMAL RECESSIVE. Identifiers: Orphanet 220460, Orphanet 247798, MedGen C3272841, MONDO:0012041, OMIM 608456.

Allele frequency attached by ClinVar (database versions not stated): gnomAD exomes below 0.00001 and 0.00001; ExAC 0.00001.
gnomAD v4.1: 1 of 1,614,174 alleles (0.000062%); highest among the groups gnomAD compares: African/African-American, 0.0013%; no homozygotes.

Submissions (4):

Labcorp Genetics (formerly Invitae), Labcorp
Classification: Uncertain significance for Familial adenomatous polyposis 2. Last evaluated: 2025-07-21. Review status: criteria provided, single submitter. Criteria: Invitae Variant Classification Sherloc (09022015). Collection method: clinical testing. Allele origin: germline.
Comment: This sequence change replaces isoleucine, which is neutral and non-polar, with serine, which is neutral and polar, at codon 449 of the MUTYH protein (p.Ile449Ser). This variant is present in population databases (rs767996570, gnomAD 0.01%). This variant has not been reported in the literature in individuals affected with MUTYH-related conditions. ClinVar contains an entry for this variant (Variation ID: 420866). An algorithm developed to predict the effect of missense changes on protein structure and function (PolyPhen-2) suggests that this variant is likely to be disruptive. RNA analysis performed to evaluate the impact of this missense change on mRNA splicing indicates it does not significantly alter splicing (internal data). In summary, the available evidence is currently insufficient to determine the role of this variant in disease. Therefore, it has been classified as a Variant of Uncertain Significance.

Quest Diagnostics Nichols Institute San Juan Capistrano
Classification: Uncertain significance. Last evaluated: 2025-06-13. Review status: criteria provided, single submitter. Criteria: Quest Diagnostics criteria. Collection method: clinical testing. Allele origin: unknown.
Comment: The MUTYH c.1346T>G (p.Ile449Ser) variant has not been reported in individuals with MUTYH-related conditions in the published literature. The frequency of this variant in the general population (Genome Aggregation Database) is uninformative in the assessment of its pathogenicity. Analysis of this variant using bioinformatics tools for the prediction of the effect of amino acid changes on protein structure and function yielded a prediction that this variant is damaging. Additional analysis using software algorithms for the prediction of the effect of nucleotide changes on MUTYH mRNA splicing yielded predictions that this variant may result in the gain of a cryptic splice site without affecting the natural splice sites. Based on the available information, we are unable to determine the clinical significance of this variant.

Ambry Genetics
Classification: Uncertain significance for Hereditary cancer-predisposing syndrome. Last evaluated: 2024-03-22. Review status: criteria provided, single submitter. Criteria: Ambry Variant Classification Scheme 2023. Collection method: clinical testing. Allele origin: germline.
Comment: The p.I449S variant (also known as c.1346T>G), located in coding exon 14 of the MUTYH gene, results from a T to G substitution at nucleotide position 1346. The isoleucine at codon 449 is replaced by serine, an amino acid with dissimilar properties. This amino acid position is highly conserved in available vertebrate species. In addition, this alteration is predicted to be deleterious by in silico analysis. Since supporting evidence is limited at this time, the clinical significance of this alteration remains unclear.

GeneDx
Classification: Uncertain significance. Last evaluated: 2016-04-06. Review status: criteria provided, single submitter. Criteria: GeneDx Variant Classification (06012015). Collection method: clinical testing. Allele origin: germline. Affected: yes.
Comment: This variant is denoted MUTYH c.1346T>G at the cDNA level, p.Ile449Ser (I449S) at the protein level, and results in the change of an Isoleucine to a Serine (ATC>AGC). This variant has not, to our knowledge, been published in the literature as pathogenic or benign. MUTYH Ile449Ser was not observed in approximately 6,500 individuals of European and African American ancestry in the NHLBI Exome Sequencing Project, suggesting it is not a common benign variant in these populations. Since Isoleucine and Serine differ in polarity, charge, size or other properties, this is considered a non-conservative amino acid substitution. MUTYH Ile449Ser occurs at a position that is conserved across species and is located within the NUDIX domain (Ruggieri 2013). In silico analyses predict that this variant is probably damaging to protein structure and function, and multiple splicing models predict that this variant may result in the gain of a strong cryptic splice acceptor site and lead to abnormal splicing. However, in the absence of RNA or functional studies, the actual effect of this variant is unknown. Based on currently available evidence, it is unclear whether MUTYH Ile449Ser is a pathogenic or benign variant. We consider it to be a variant of uncertain significance. Of note, MUTYH-Associated Polyposis (MAP) is a recessive condition associated with two pathogenic variants on opposite chromosomes in MUTYH.

Literature cited by the submitters: PubMed 40093110 (cited by Quest Diagnostics Nichols Institute San Juan Capistrano).

NM_001048174.2(MUTYH):c.1262T>G (p.Ile421Ser)

Gene: MUTYH (mutY DNA glycosylase; minus strand). Cytogenetic location: 1p34.1.
Variant type: single nucleotide variant.
Coding change: c.1262T>G on transcript NM_001048174.2 (MANE Select); coding-DNA position 1262, T replaced by G.
Protein change: p.Ile421Ser; replaces isoleucine 421 with serine.
Molecular consequence: missense variant. On other transcripts: non-coding transcript variant (2).
Genome position (GRCh38, 1-based): chr1:45,331,312, A>C on the plus strand (T>G on the coding strand, the complement: MUTYH is on the minus strand). VCF-style: chr1-45331312-A-C. GRCh37 (hg19) VCF-style: chr1-45796984-A-C.
Other names: c.1262T>G, p.Ile421Ser (NM_001048171.2, NM_001048173.2, NM_001293195.2); c.1265T>G, p.Ile422Ser (NM_001048172.2); c.1346T>G, p.Ile449Ser (NM_001128425.2); c.1307T>G, p.Ile436Ser (NM_001293190.2); c.1295T>G, p.Ile432Ser (NM_001293191.2); c.986T>G, p.Ile329Ser (NM_001293192.2, NM_001293196.2); c.917T>G, p.Ile306Ser (NM_001350650.2, NM_001350651.2); c.1337T>G, p.Ile446Ser (NM_012222.3); short protein forms I449S, I422S, I436S, I446S, I329S, I432S, I306S, I421S.
Identifiers: ClinVar variation 420866 (VCV000420866.11), dbSNP rs767996570, ClinGen allele CA056195.
Genomic context (GRCh38, chr1:45,331,312, plus strand): 5'-ACGGTGGTCACTGGGGTCTGCCCTTCCAAGGCCAGCCCATATACTTGATATGTCAGCTTG[A>C]TGTGAGAGAAGGTGTGGACAACCTGGAGGAAGGGTCAAGGGGTTCAAATAGGCCTGTGGA-3'
Protein context (NP_001041639.1, residues 411-431): LGEVVHTFSH[Ile421Ser]KLTYQVYGLA